The following is an entry in ClinVar:

ClinVar aggregate classification (germline): Conflicting classifications of pathogenicity. Review status: criteria provided, conflicting classifications (1 of 4 stars). 2 submissions from 2 submitters: Uncertain significance (1); Likely benign (1). Last evaluated 2026-01-16.

Allele frequency attached by ClinVar (database versions not stated): TOPMed below 0.00001; gnomAD 0.00002; gnomAD exomes 0.00002.
gnomAD v4.1: 17 of 1,614,038 alleles (0.0011%); highest among the groups gnomAD compares: Admixed American, 0.0017%; no homozygotes.

Submissions (2):

Labcorp Genetics (formerly Invitae), Labcorp
Classification: Likely benign. Last evaluated: 2026-01-16. Review status: criteria provided, single submitter. Criteria: Invitae Variant Classification Sherloc (09022015). Collection method: clinical testing. Allele origin: germline.

GeneDx
Classification: Uncertain significance. Last evaluated: 2021-01-12. Review status: criteria provided, single submitter. Criteria: GeneDx Variant Classification Process June 2021. Collection method: clinical testing. Allele origin: germline. Affected: yes.
Comment: Not observed at a significant frequency in large population cohorts (Lek et al., 2016); In-silico analysis is inconclusive as to whether the variant alters gene splicing. In the absence of RNA/functional studies, the actual effect of this sequence change is unknown.; Has not been previously published as pathogenic or benign to our knowledge

NM_001692.4(ATP6V1B1):c.1089G>A (p.Thr363=)

Gene: ATP6V1B1 (ATPase H+ transporting V1 subunit B1; plus strand). Cytogenetic location: 2p13.3.
Variant type: single nucleotide variant.
Coding change: c.1089G>A on transcript NM_001692.4 (MANE Select); coding-DNA position 1089, G replaced by A.
Protein change: p.Thr363=; no amino-acid change (threonine 363 retained).
Molecular consequence: synonymous variant.
Genome position (GRCh38, 1-based): chr2:70,963,600, G>A. VCF-style: chr2-70963600-G-A. GRCh37 (hg19) VCF-style: chr2-71190730-G-A.
Identifiers: ClinVar variation 1092744 (VCV001092744.11), dbSNP rs782584396, ClinGen allele CA426697959.